The following is an entry in ClinVar:

ClinVar aggregate classification (germline): Uncertain significance (1 of 4 stars; one submission).

Conditions:
Hereditary cancer-predisposing syndrome. Also called: Tumor predisposition; Hereditary Cancer Syndrome; Hereditary neoplastic syndrome; Neoplastic Syndromes, Hereditary. Identifiers: Orphanet 140162, MedGen C0027672, MeSH D009386, MONDO:0015356.
Cardiovascular phenotype. Identifiers: MedGen CN230736.

Allele frequency attached by ClinVar (database versions not stated): TOPMed below 0.00001.

Submission:

Ambry Genetics
Classification: Uncertain significance for Cardiovascular phenotype; Hereditary cancer-predisposing syndrome. Last evaluated: 2025-02-22. Review status: criteria provided, single submitter. Criteria: Ambry Variant Classification Scheme 2023. Collection method: clinical testing. Allele origin: germline.
Comment: The p.R461L variant (also known as c.1382G>T), located in coding exon 12 of the NF1 gene, results from a G to T substitution at nucleotide position 1382. The arginine at codon 461 is replaced by leucine, an amino acid with dissimilar properties. This amino acid position is highly conserved in available vertebrate species. In addition, the in silico prediction for this alteration is inconclusive. Since supporting evidence is limited at this time, the clinical significance of this alteration remains unclear.

NM_001042492.3(NF1):c.1382G>T (p.Arg461Leu)

Gene: NF1 (neurofibromin 1; plus strand). Cytogenetic location: 17q11.2.
Variant type: single nucleotide variant.
Coding change: c.1382G>T on transcript NM_001042492.3 (MANE Select); coding-DNA position 1382, G replaced by T.
Protein change: p.Arg461Leu; replaces arginine 461 with leucine.
Molecular consequence: missense variant.
Genome position (GRCh38, 1-based): chr17:31,206,361, G>T. VCF-style: chr17-31206361-G-T. GRCh37 (hg19) VCF-style: chr17-29533379-G-T.
Other names: c.1382G>T, p.Arg461Leu (NM_000267.4, NM_001128147.3); short protein forms R461L.
Identifiers: ClinVar variation 485957 (VCV000485957.6), dbSNP rs1555611606, ClinGen allele CA398999863.